The following is an entry in ClinVar:

ClinVar aggregate classification (germline): Benign. Review status: criteria provided, multiple submitters, no conflicts (2 of 4 stars). 3 submissions from 3 submitters: Benign (3). Last evaluated 2026-02-01.

Allele frequency attached by ClinVar (database versions not stated): 1000 Genomes Project 0.00060; 1000 Genomes Project 30x 0.00078.
gnomAD v4.1: 2,067 of 1,614,144 alleles (0.13%); highest among the groups gnomAD compares: Middle Eastern, 2.5%; 10 homozygotes.

Submissions (3):

Labcorp Genetics (formerly Invitae), Labcorp
Classification: Benign. Last evaluated: 2026-02-01. Review status: criteria provided, single submitter. Criteria: Invitae Variant Classification Sherloc (09022015). Collection method: clinical testing. Allele origin: germline.

Mayo Clinic Laboratories, Mayo Clinic
Classification: Benign. Last evaluated: 2023-06-13. Review status: criteria provided, single submitter. Criteria: ACMG Guidelines, 2015. Collection method: clinical testing. Allele origin: germline. Observed: 3 variant alleles.
Comment: BS1, BS2

Breakthrough Genomics
Classification: Benign. Review status: criteria provided, single submitter. Criteria: ACMG Guidelines, 2015. Collection method: not provided. Allele origin: germline. Inheritance: Autosomal recessive inheritance. Affected: yes.

NM_000562.3(C8A):c.1454G>A (p.Arg485His)

Gene: C8A (complement C8 alpha chain; plus strand). Cytogenetic location: 1p32.2.
Variant type: single nucleotide variant.
Coding change: c.1454G>A on transcript NM_000562.3 (MANE Select); coding-DNA position 1454, G replaced by A.
Protein change: p.Arg485His; replaces arginine 485 with histidine.
Molecular consequence: missense variant.
Genome position (GRCh38, 1-based): chr1:56,912,476, G>A. VCF-style: chr1-56912476-G-A. GRCh37 (hg19) VCF-style: chr1-57378149-G-A.
Other names: p.Arg485His; short protein forms R485H.
Identifiers: ClinVar variation 710241 (VCV000710241.13), dbSNP rs1620075, ClinGen allele CA875400.
Genomic context (GRCh38, chr1:56,912,476, plus strand): 5'-ACGAGGTGCTGCGGCACACAAGCCTGGGGCCTCTGGAGGCCAAGCGCCAGAACCTGCGCC[G>A]CGCCTTGGACCAGTATCTGATGGAATTCAATGCCTGCCGATGTGGGCCTTGCTTCAACAA-3'
Protein context (NP_000553.1, residues 475-495): PLEAKRQNLR[Arg485His]ALDQYLMEFN